The following is an entry in ClinVar:

ClinVar aggregate classification (germline): Uncertain significance (1 of 4 stars; one submission).

gnomAD v4.1: 4 of 1,614,058 alleles (0.00025%); highest among the groups gnomAD compares: Non-Finnish European, 0.00017%; no homozygotes.

Submission:

Labcorp Genetics (formerly Invitae), Labcorp
Classification: Uncertain significance. Last evaluated: 2024-05-08. Review status: criteria provided, single submitter. Criteria: Invitae Variant Classification Sherloc (09022015). Collection method: clinical testing. Allele origin: germline.
Comment: This sequence change replaces lysine, which is basic and polar, with glutamic acid, which is acidic and polar, at codon 130 of the TFRC protein (p.Lys130Glu). This variant is not present in population databases (gnomAD no frequency). This variant has not been reported in the literature in individuals affected with TFRC-related conditions. Advanced modeling of protein sequence and biophysical properties (such as structural, functional, and spatial information, amino acid conservation, physicochemical variation, residue mobility, and thermodynamic stability) performed at Invitae indicates that this missense variant is not expected to disrupt TFRC protein function with a negative predictive value of 80%. In summary, the available evidence is currently insufficient to determine the role of this variant in disease. Therefore, it has been classified as a Variant of Uncertain Significance.

NM_001128148.3(TFRC):c.388A>G (p.Lys130Glu)

Gene: TFRC (transferrin receptor; minus strand). Cytogenetic location: 3q29.
Variant type: single nucleotide variant.
Coding change: c.388A>G on transcript NM_001128148.3 (MANE Select); coding-DNA position 388, A replaced by G.
Protein change: p.Lys130Glu; replaces lysine 130 with glutamic acid.
Molecular consequence: missense variant. On other transcripts: intron variant (1).
Genome position (GRCh38, 1-based): chr3:196,073,976, T>C on the plus strand (A>G on the coding strand, the complement: TFRC is on the minus strand). VCF-style: chr3-196073976-T-C. GRCh37 (hg19) VCF-style: chr3-195800847-T-C.
Other names: c.145A>G, p.Lys49Glu (NM_001313965.2); c.388A>G, p.Lys130Glu (NM_003234.4); c.-412-1824A>G (NM_001313966.2); short protein forms K49E, K130E.
Identifiers: ClinVar variation 2995055 (VCV002995055.3), dbSNP rs1474043545, ClinGen allele CA355577788.
Genomic context (GRCh38, chr3:196,073,976, plus strand): 5'-CAGCTGGCACTCACTTGATGGTGCCGGTGAAGTCTGTGCTGTCCAGTTTCTCCGACAACT[T>C]TCTCTTCAGGTCATCCCAATATAAGCGACGTGCTGCAGGGAAGTCCTCTCCTGGCTCCTC-3'
Protein context (NP_001121620.1, residues 120-140): RRLYWDDLKR[Lys130Glu]LSEKLDSTDF